The following is an entry in ClinVar:

ClinVar aggregate classification (germline): Benign/Likely benign. Review status: criteria provided, multiple submitters, no conflicts (2 of 4 stars). 3 submissions from 3 submitters: Benign (1); Likely benign (1). 1 of the submissions does not count toward it. Last evaluated 2025-09-15.

Conditions:
VARS2-related disorder. Also called: VARS2-related disorders; VARS2-related condition.

Allele frequency attached by ClinVar (database versions not stated): gnomAD exomes 0.00021 and 0.00075; ExAC 0.00076; ESP Exome Variant Server 0.00178; gnomAD 0.00208 and 0.00225; 1000 Genomes Project 0.00220; 1000 Genomes Project 30x 0.00234; TOPMed 0.00255.

Submissions (3):

Labcorp Genetics (formerly Invitae), Labcorp
Classification: Benign. Last evaluated: 2025-09-15. Review status: criteria provided, single submitter. Criteria: Invitae Variant Classification Sherloc (09022015). Collection method: clinical testing. Allele origin: germline.

Mayo Clinic Laboratories, Mayo Clinic
Classification: Likely benign. Last evaluated: 2025-03-14. Review status: criteria provided, single submitter. Criteria: ACMG Guidelines, 2015. Collection method: clinical testing. Allele origin: germline. Observed: 3 variant alleles.
Comment: BS1, BP4, BP7

PreventionGenetics, part of Exact Sciences
Classification: Likely benign for VARS2-related condition. Last evaluated: 2019-04-24. Review status: no assertion criteria provided. Collection method: clinical testing. Allele origin: germline. Not counted in ClinVar's aggregate classification.
Comment: This variant is classified as likely benign based on ACMG/AMP sequence variant interpretation guidelines (Richards et al. 2015 PMID: 25741868, with internal and published modifications).

NM_020442.6(VARS2):c.1166-5C>A

Gene: VARS2 (valyl-tRNA synthetase 2, mitochondrial; plus strand). Cytogenetic location: 6p21.33.
Variant type: single nucleotide variant.
Coding change: c.1166-5C>A on transcript NM_020442.6 (MANE Select); 5 bases into the intron before coding-DNA position 1166, C replaced by A.
Molecular consequence: intron variant.
Genome position (GRCh38, 1-based): chr6:30,920,084, C>A. VCF-style: chr6-30920084-C-A. GRCh37 (hg19) VCF-style: chr6-30887861-C-A.
Other names: p.?; c.1256-5C>A (NM_001167734.1, NM_001167734.2); c.746-5C>A (NM_001167733.3).
Identifiers: ClinVar variation 1601289 (VCV001601289.11), dbSNP rs192370302, ClinGen allele CA3705841.